The following is an entry in ClinVar:

ClinVar aggregate classification (germline): Benign/Likely benign. Review status: criteria provided, multiple submitters, no conflicts (2 of 4 stars). 4 submissions from 4 submitters: Benign (1); Likely benign (3). Last evaluated 2025-05-30.

Conditions:
Hereditary cancer-predisposing syndrome. Also called: Tumor predisposition; Neoplastic Syndromes, Hereditary; Hereditary neoplastic syndrome; Hereditary Cancer Syndrome. Identifiers: Orphanet 140162, MedGen C0027672, MeSH D009386, MONDO:0015356.
Tuberous sclerosis syndrome (TSC). Also called: Tuberous sclerosis; Tuberous Sclerosis Complex. Identifiers: Orphanet 805, MedGen C0041341, MONDO:0001734.
Tuberous sclerosis 2 (TSC2). Identifiers: Orphanet 805, MedGen C1860707, MONDO:0013199, OMIM 613254.

Allele frequency attached by ClinVar (database versions not stated): gnomAD exomes below 0.00001.
gnomAD v4.1: 4 of 1,612,978 alleles (0.00025%); highest among the groups gnomAD compares: Non-Finnish European, 0.00034%; no homozygotes.

Submissions (4):

Myriad Genetics, Inc.
Classification: Benign for Tuberous sclerosis 2. Last evaluated: 2025-05-30. Review status: criteria provided, single submitter. Criteria: Myriad Autosomal Dominant, Autosomal Recessive and X-Linked Classification Criteria (2023). Collection method: clinical testing. Allele origin: unknown.
Comment: This variant is considered benign. This variant is a silent/synonymous amino acid change and it is not expected to impact splicing.

Ambry Genetics
Classification: Likely benign for Hereditary cancer-predisposing syndrome. Last evaluated: 2025-02-24. Review status: criteria provided, single submitter. Criteria: Ambry Variant Classification Scheme 2023. Collection method: clinical testing. Allele origin: germline.

All of Us Research Program, National Institutes of Health
Classification: Likely benign for Tuberous sclerosis syndrome. Last evaluated: 2023-08-15. Review status: criteria provided, single submitter. Criteria: ACMG Guidelines, 2015. Collection method: clinical testing. Allele origin: germline. Inheritance: Autosomal dominant inheritance. Observed: 1 variant allele, 1 heterozygote.
Comment: This study involves interpretation of variants in research participants for the purpose of population health screening. Participant phenotype was not available at the time of variant classification. Additional details can be found in publication PMID: 35346344, PMCID: PMC8962531

Labcorp Genetics (formerly Invitae), Labcorp
Classification: Likely benign for Tuberous sclerosis 2. Last evaluated: 2022-01-23. Review status: criteria provided, single submitter. Criteria: Invitae Variant Classification Sherloc (09022015). Collection method: clinical testing. Allele origin: germline.

NM_000548.5(TSC2):c.3729G>A (p.Glu1243=)

Gene: TSC2 (TSC complex subunit 2; plus strand). Cytogenetic location: 16p13.3.
Variant type: single nucleotide variant.
Coding change: c.3729G>A on transcript NM_000548.5 (MANE Select); coding-DNA position 3729, G replaced by A.
Protein change: p.Glu1243=; no amino-acid change (glutamic acid 1243 retained).
Molecular consequence: synonymous variant. On other transcripts: non-coding transcript variant (5).
Genome position (GRCh38, 1-based): chr16:2,081,713, G>A. VCF-style: chr16-2081713-G-A. GRCh37 (hg19) VCF-style: chr16-2131714-G-A.
Other names: c.3597G>A, p.Glu1199= (NM_001077183.3, NM_001370404.1, NM_001406665.1); c.3729G>A, p.Glu1243= (NM_001114382.3); c.3489G>A, p.Glu1163= (NM_001318827.2); c.3453G>A, p.Glu1151= (NM_001318829.2); c.2997G>A, p.Glu999= (NM_001318831.2, NM_001406687.1, NM_001406688.1); c.3630G>A, p.Glu1210= (NM_001318832.2); c.3600G>A, p.Glu1200= (NM_001363528.2, NM_001370405.1, NM_021055.3); c.3726G>A, p.Glu1242= (NM_001406663.1, NM_001406664.1); and 18 more.
Identifiers: ClinVar variation 2089198 (VCV002089198.7), dbSNP rs2151483009, ClinGen allele CA493043146.